The following is an entry in ClinVar:

ClinVar aggregate classification (germline): Uncertain significance (1 of 4 stars; one submission).

Submission:

Ambry Genetics
Classification: Uncertain significance. Last evaluated: 2026-06-24. Review status: criteria provided, single submitter. Criteria: Ambry Variant Classification Scheme 2023. Collection method: clinical testing. Allele origin: germline.
Comment: The p.K371I variant (also known as c.1112A>T), located in coding exon 2 of the CDK12 gene, results from an A to T substitution at nucleotide position 1112. The lysine at codon 371 is replaced by isoleucine, an amino acid with dissimilar properties. This amino acid position is conserved. In addition, this alteration is predicted to be tolerated by in silico analysis. Based on the available evidence, the clinical significance of this variant remains unclear.

NM_016507.4(CDK12):c.1112A>T (p.Lys371Ile)

Gene: CDK12 (cyclin dependent kinase 12; plus strand). Cytogenetic location: 17q12.
Variant type: single nucleotide variant.
Coding change: c.1112A>T on transcript NM_016507.4 (MANE Select); coding-DNA position 1112, A replaced by T.
Protein change: p.Lys371Ile; replaces lysine 371 with isoleucine.
Molecular consequence: missense variant.
Genome position (GRCh38, 1-based): chr17:39,470,944, A>T. VCF-style: chr17-39470944-A-T. GRCh37 (hg19) VCF-style: chr17-37627197-A-T.
Other names: c.1112A>T, p.Lys371Ile (NM_015083.4); short protein forms K371I.
Identifiers: ClinVar variation 5034061 (VCV005034061.1).